The following is an entry in ClinVar:

ClinVar aggregate classification (germline): Uncertain significance. Review status: criteria provided, multiple submitters, no conflicts (2 of 4 stars). 2 submissions from 2 submitters: Uncertain significance (2). Last evaluated 2024-11-19.

Submissions (2):

Dasa
Classification: Uncertain significance. Last evaluated: 2024-11-19. Review status: criteria provided, single submitter. Criteria: DASA Assertion Criteria. Collection method: clinical testing. Allele origin: germline.
Comment: NM_005458.8(GABBR2):c.776T>C (p.Met259Thr) is a missense variant that results in the substitution of methionine with threonine. This variant is absent from population databases. The currently available literature and clinical evidence are not sufficient to establish a definitive association between this variant and the reported condition. Therefore, this variant is classified as a variant of uncertain significance.

GeneDx
Classification: Uncertain significance. Last evaluated: 2023-12-21. Review status: criteria provided, single submitter. Criteria: GeneDx Variant Classification Process June 2021. Collection method: clinical testing. Allele origin: germline. Affected: yes.
Comment: Not observed at significant frequency in large population cohorts (gnomAD); In silico analysis supports that this missense variant does not alter protein structure/function; Has not been previously published as pathogenic or benign to our knowledge

NM_005458.8(GABBR2):c.776T>C (p.Met259Thr)

Gene: GABBR2 (gamma-aminobutyric acid type B receptor subunit 2; minus strand). Cytogenetic location: 9q22.33.
Variant type: single nucleotide variant.
Coding change: c.776T>C on transcript NM_005458.8 (MANE Select); coding-DNA position 776, T replaced by C.
Protein change: p.Met259Thr; replaces methionine 259 with threonine.
Molecular consequence: missense variant.
Genome position (GRCh38, 1-based): chr9:98,480,954, A>G on the plus strand (T>C on the coding strand, the complement: GABBR2 is on the minus strand). VCF-style: chr9-98480954-A-G. GRCh37 (hg19) VCF-style: chr9-101243236-A-G.
Other names: short protein forms M259T.
Identifiers: ClinVar variation 3370236 (VCV003370236.3).